The following is an entry in ClinVar:

ClinVar aggregate classification (germline): Uncertain significance (1 of 4 stars; one submission).

gnomAD v4.1: 16 of 1,614,158 alleles (0.00099%); highest among the groups gnomAD compares: Non-Finnish European, 0.0013%; no homozygotes.

Submission:

Labcorp Genetics (formerly Invitae), Labcorp
Classification: Uncertain significance. Last evaluated: 2025-05-28. Review status: criteria provided, single submitter. Criteria: Invitae Variant Classification Sherloc (09022015). Collection method: clinical testing. Allele origin: germline.
Comment: This sequence change replaces arginine, which is basic and polar, with cysteine, which is neutral and slightly polar, at codon 730 of the TRPV6 protein (p.Arg730Cys). This variant is not present in population databases (gnomAD no frequency). This missense change has been observed in individual(s) with TRPV6-related conditions (PMID: 31930989). An algorithm developed to predict the effect of missense changes on protein structure and function outputs the following: PolyPhen-2: "Not Available". The cysteine amino acid residue is found in multiple mammalian species, which suggests that this missense change does not adversely affect protein function. Experimental studies have shown that this missense change does not substantially affect TRPV6 function (PMID: 31930989). In summary, the available evidence is currently insufficient to determine the role of this variant in disease. Therefore, it has been classified as a Variant of Uncertain Significance.

Literature cited by the submitters: PubMed 31930989.

NM_018646.6(TRPV6):c.2188C>T (p.Arg730Cys)

Gene: TRPV6 (transient receptor potential cation channel subfamily V member 6; minus strand). Cytogenetic location: 7q34.
Variant type: single nucleotide variant.
Coding change: c.2188C>T on transcript NM_018646.6 (MANE Select); coding-DNA position 2188, C replaced by T.
Protein change: p.Arg730Cys; replaces arginine 730 with cysteine.
Molecular consequence: missense variant.
Genome position (GRCh38, 1-based): chr7:142,871,817, G>A on the plus strand (C>T on the coding strand, the complement: TRPV6 is on the minus strand). VCF-style: chr7-142871817-G-A. GRCh37 (hg19) VCF-style: chr7-142569570-G-A.
Other names: short protein forms R730C.
Identifiers: ClinVar variation 4716477 (VCV004716477.1).